The following is an entry in ClinVar:

NM_006912.6(RIT1):c.230C>G (p.Ala77Gly)

Gene: RIT1 (Ras like without CAAX 1; minus strand). Cytogenetic location: 1q22.
Variant type: single nucleotide variant.
Coding change: c.230C>G on transcript NM_006912.6 (MANE Select); coding-DNA position 230, C replaced by G.
Protein change: p.Ala77Gly; replaces alanine 77 with glycine.
Molecular consequence: missense variant.
Genome position (GRCh38, 1-based): chr1:155,904,738, G>C on the plus strand (C>G on the coding strand, the complement: RIT1 is on the minus strand). VCF-style: chr1-155904738-G-C. GRCh37 (hg19) VCF-style: chr1-155874529-G-C.
Other names: c.122C>G, p.Ala41Gly (NM_001256820.2); c.281C>G, p.Ala94Gly (NM_001256821.2); c.230C>G (NM_006912.4); short protein forms A41G, A94G, A77G.
Identifiers: ClinVar variation 850519 (VCV000850519.11), dbSNP rs1673399238, ClinGen allele CA342803120.
Genomic context (GRCh38, chr1:155,904,738, plus strand): 5'-CCCCTTTGCTAGAGTAAAAAAGCCTTTACTCATAACATTCTGGGATTTAATACCTGTCCA[G>C]CTGTATCCAAAATGTCCAGATTGGCAGGCTCATCATCAATACGGATCCTGATCTTATAAG-3'
Protein context (NP_008843.1, residues 67-87): EPANLDILDT[Ala77Gly]GQAEFTAMRD

ClinVar aggregate classification (germline): Pathogenic/Likely pathogenic. Review status: criteria provided, multiple submitters, no conflicts (2 of 4 stars). 5 submissions from 5 submitters: Pathogenic (2); Likely pathogenic (3). Last evaluated 2025-11-14.

Conditions:
Cardiovascular phenotype. Identifiers: MedGen CN230736.
Noonan syndrome 8 (NS8). Identifiers: Orphanet 648, MedGen C3809233, MONDO:0014143, OMIM 615355.

Submissions (5):

GeneDx
Classification: Pathogenic. Last evaluated: 2025-11-14. Review status: criteria provided, single submitter. Criteria: GeneDx Variant Classification Process June 2021. Collection method: clinical testing. Allele origin: germline. Affected: yes.
Comment: Not observed at significant frequency in large population cohorts (gnomAD); In silico analysis supports that this missense variant has a deleterious effect on protein structure/function; This variant is associated with the following publications: (PMID: 39363392, 25049390, 26714497)

Ambry Genetics
Classification: Likely pathogenic for Cardiovascular phenotype. Last evaluated: 2023-07-20. Review status: criteria provided, single submitter. Criteria: Ambry Variant Classification Scheme 2023. Collection method: clinical testing. Allele origin: germline.
Comment: The p.A77G variant (also known as c.230C>G), located in coding exon 3 of the RIT1 gene, results from a C to G substitution at nucleotide position 230. The alanine at codon 77 is replaced by glycine, an amino acid with similar properties. This alteration has been reported in individuals with Noonan syndrome, including a de novo occurrence in one individual (Ambry external communication). Another alteration at the same codon, p.A77T (c.229G>A), has been detected in individuals with RASopathies, having de novo occurrences in a few individuals (Cav&eacute; H et al. Eur J Hum Genet, 2016 Aug;24:1124-31; Kouz K et al. Genet Med, 2016 Dec;18:1226-1234; Yaoita M et al. Hum Genet, 2016 Feb;135:209-22; Leung GKC et al. Sci Rep, 2018 Feb;8:2421; Yang H et al. Front Genet, 2021 Jun;12:669841; Swarts JW et al. Am J Med Genet A, 2022 Nov;188:3242-3261; Westenius E et al. Ultrasound Obstet Gynecol, 2022 Oct;60:487-493). This variant is considered to be rare based on population cohorts in the Genome Aggregation Database (gnomAD). This amino acid position is highly conserved in available vertebrate species. In addition, the in silico prediction for this alteration is inconclusive. Based on the majority of available evidence to date, this variant is likely to be pathogenic.

Genome-Nilou Lab
Classification: Likely pathogenic for Noonan syndrome 8. Last evaluated: 2023-04-11. Review status: criteria provided, single submitter. Criteria: ACMG Guidelines, 2015. Collection method: clinical testing. Allele origin: germline. Affected: no.

Institute of Medical Genetics and Applied Genomics, University Hospital Tübingen
Classification: Likely pathogenic. Last evaluated: 2021-09-15. Review status: criteria provided, single submitter. Criteria: ACMG Guidelines, 2015. Collection method: clinical testing. Allele origin: germline. Inheritance: Autosomal dominant inheritance. Affected: yes.

Labcorp Genetics (formerly Invitae), Labcorp
Classification: Pathogenic for Noonan syndrome 8. Last evaluated: 2019-04-12. Review status: criteria provided, single submitter. Criteria: Invitae Variant Classification Sherloc (09022015). Collection method: clinical testing. Allele origin: germline.
Comment: This sequence change replaces alanine with glycine at codon 77 of the RIT1 protein (p.Ala77Gly). The alanine residue is highly conserved and there is a small physicochemical difference between alanine and glycine. This variant is not present in population databases (ExAC no frequency). Algorithms developed to predict the effect of missense changes on protein structure and function (SIFT, PolyPhen-2, Align-GVGD) all suggest that this variant is likely to be disruptive, but these predictions have not been confirmed by published functional studies and their clinical significance is uncertain. Algorithms developed to predict the effect of sequence changes on RNA splicing suggest that this variant may create or strengthen a splice site, but this prediction has not been confirmed by published transcriptional studies. This variant disrupts the p.Ala77 amino acid residue in RIT1. Other variant(s) that disrupt this residue have been observed in individuals with RIT1-related conditions (PMID: 25049390, 26714497, 29402968, 26757980, 27101134, 26714497), suggesting that it is a clinically significant residue. As a result, variants that disrupt this residue are likely to be causative of disease. For these reasons, this variant has been classified as Pathogenic.

Literature cited by the submitters: PubMed 25049390 (cited by Labcorp Genetics (formerly Invitae), Labcorp); PubMed 27101134 (cited by Labcorp Genetics (formerly Invitae), Labcorp); PubMed 29402968 (cited by Labcorp Genetics (formerly Invitae), Labcorp); PubMed 26714497 (cited by Labcorp Genetics (formerly Invitae), Labcorp); PubMed 26757980 (cited by Labcorp Genetics (formerly Invitae), Labcorp).